The following is an entry in ClinVar:

ClinVar aggregate classification (germline): Likely benign. Review status: criteria provided, multiple submitters, no conflicts (2 of 4 stars). 2 submissions from 2 submitters: Likely benign (2). Last evaluated 2026-06-24.

Conditions:
Hereditary insensitivity to pain with anhidrosis (CIPA). Also called: FAMILIAL DYSAUTONOMIA, TYPE II; NEUROPATHY, CONGENITAL SENSORY, WITH ANHIDROSIS; NTRK1 Congenital Insensitivity to Pain with Anhidrosis; INSENSITIVITY TO PAIN, CONGENITAL, WITH ANHIDROSIS; hereditary sensory and autonomic neuropathy type 4; HSAN Type IV. Identifiers: Orphanet 642, MedGen C0020074, MONDO:0009746, OMIM 256800.
NTRK1-related disorder. Also called: NTRK1-related condition.

Allele frequency attached by ClinVar (database versions not stated): TOPMed below 0.00001; gnomAD 0.00001; gnomAD exomes 0.00001 and 0.00003.
gnomAD v4.1: 46 of 1,542,286 alleles (0.003%); highest among the groups gnomAD compares: Non-Finnish European, 0.0037%; no homozygotes.

Submissions (2):

PreventionGenetics, part of Exact Sciences
Classification: Likely benign for NTRK1-related condition. Last evaluated: 2026-06-24. Review status: criteria provided, single submitter. Criteria: ACMG Guidelines, 2015. Collection method: clinical testing. Allele origin: germline.
Comment: This variant is classified as likely benign based on ACMG/AMP sequence variant interpretation guidelines (Richards et al. 2015 PMID: 25741868, with internal and published modifications).

Labcorp Genetics (formerly Invitae), Labcorp
Classification: Likely benign for Hereditary insensitivity to pain with anhidrosis. Last evaluated: 2026-01-13. Review status: criteria provided, single submitter. Criteria: Invitae Variant Classification Sherloc (09022015). Collection method: clinical testing. Allele origin: germline.

NM_002529.4(NTRK1):c.90T>G (p.Ser30=)

Gene: NTRK1 (neurotrophic receptor tyrosine kinase 1; plus strand). Cytogenetic location: 1q23.1.
Variant type: single nucleotide variant.
Coding change: c.90T>G on transcript NM_002529.4 (MANE Select); coding-DNA position 90, T replaced by G.
Protein change: p.Ser30=; no amino-acid change (serine 30 retained).
Molecular consequence: synonymous variant. On other transcripts: intron variant (1).
Genome position (GRCh38, 1-based): chr1:156,861,024, T>G. VCF-style: chr1-156861024-T-G. GRCh37 (hg19) VCF-style: chr1-156830816-T-G.
Other names: c.90T>G, p.Ser30= (NM_001012331.2); c.123-3330T>G (NM_001007792.1); c.90T>G (NM_002529.3).
Identifiers: ClinVar variation 1598006 (VCV001598006.9), dbSNP rs1005245197, ClinGen allele CA31101048.
Genomic context (GRCh38, chr1:156,861,024, plus strand): 5'-TGGCTGGCACAGCTGGGCTGCGGGGCCGGGCAGCCTGCTGGCTTGGCTGATACTGGCATC[T>G]GCGGGCGCCGCACCCTGCCCCGATGCCTGCTGCCCCCACGGCTCCTCGGGACTGCGATGC-3'
Protein context (NP_002520.2, residues 20-40): GSLLAWLILA[Ser30=]AGAAPCPDAC